The following is an entry in ClinVar:

ClinVar aggregate classification (germline): Likely benign (1 of 4 stars; one submission).

Conditions:
ATP13A2-related disorder. Also called: ATP13A2-related disorders; ATP13A2-related condition.

gnomAD v4.1: 36 of 1,467,936 alleles (0.0025%); highest among the groups gnomAD compares: East Asian, 0.005%; no homozygotes.

Submission:

PreventionGenetics, part of Exact Sciences
Classification: Likely benign for ATP13A2-related condition. Last evaluated: 2025-10-01. Review status: criteria provided, single submitter. Criteria: ACMG Guidelines, 2015. Collection method: clinical testing. Allele origin: germline.
Comment: This variant is classified as likely benign based on ACMG/AMP sequence variant interpretation guidelines (Richards et al. 2015 PMID: 25741868, with internal and published modifications).

NM_022089.4(ATP13A2):c.*188G>A

Gene: ATP13A2 (ATPase cation transporting 13A2; minus strand). Cytogenetic location: 1p36.13.
Variant type: single nucleotide variant.
Coding change: c.*188G>A on transcript NM_022089.4 (MANE Select); 188 bases downstream of the stop codon, G replaced by A.
Molecular consequence: 3 prime UTR variant. On other transcripts: synonymous variant (1).
Genome position (GRCh38, 1-based): chr1:16,986,033, C>T on the plus strand (G>A on the coding strand, the complement: ATP13A2 is on the minus strand). VCF-style: chr1-16986033-C-T. GRCh37 (hg19) VCF-style: chr1-17312528-C-T.
Other names: c.*188G>A (NM_001141973.3); c.3429G>A, p.Pro1143= (NM_001141974.3).
Identifiers: ClinVar variation 4987265 (VCV004987265.1).